The following is an entry in ClinVar:

ClinVar aggregate classification (germline): Conflicting classifications of pathogenicity. Review status: criteria provided, conflicting classifications (1 of 4 stars). 4 submissions from 4 submitters: Uncertain significance (2); Benign (1); Likely benign (1). Last evaluated 2026-02-02.

Conditions:
Ehlers-Danlos syndrome, classic type, 1 (EDSCL1). Also called: Ehlers-Danlos Syndrome, Classic Type, COL5A1-Related; EDS I; Ehlers-Danlos syndrome, type 1; EHLERS-DANLOS SYNDROME, GRAVIS TYPE; EHLERS-DANLOS SYNDROME, SEVERE CLASSIC TYPE. Identifiers: MedGen C0268335, MONDO:0019567, OMIM 130000.
Familial thoracic aortic aneurysm and aortic dissection (TAAD). Also called: Thoracic aortic aneurysms and dissections. Identifiers: Orphanet 91387, MedGen C4707243, MONDO:0019625.

Allele frequency attached by ClinVar (database versions not stated): gnomAD 0.00001; 1000 Genomes Project 30x 0.00016; 1000 Genomes Project 0.00020; ExAC 0.00004; TOPMed 0.00001; gnomAD exomes 0.00002.
gnomAD v4.1: 30 of 1,613,994 alleles (0.0019%); highest among the groups gnomAD compares: East Asian, 0.013%; no homozygotes.

Submissions (4):

Labcorp Genetics (formerly Invitae), Labcorp
Classification: Benign for Ehlers-Danlos syndrome, classic type, 1. Last evaluated: 2026-02-02. Review status: criteria provided, single submitter. Criteria: Invitae Variant Classification Sherloc (09022015). Collection method: clinical testing. Allele origin: germline.

Women's Health and Genetics/Laboratory Corporation of America, LabCorp
Classification: Uncertain significance. Last evaluated: 2025-03-28. Review status: criteria provided, single submitter. Criteria: LabCorp Variant Classification Summary - May 2015. Collection method: clinical testing. Allele origin: germline.
Comment: Variant summary: COL5A1 c.692G>A (p.Arg231Gln) results in a conservative amino acid change in the encoded protein sequence. Four of five in-silico tools predict a benign effect of the variant on protein function. The variant allele was found at a frequency of 1.9e-05 in 1613994 control chromosomes, predominantly at a frequency of 0.00013 within the East Asian subpopulation in the gnomAD database. The available data on variant occurrences in the general population are insufficient to allow any conclusion about variant significance. To our knowledge, no occurrence of c.692G>A in individuals affected with Ehlers-Danlos syndrome, classic type, Ehlers-Danlos syndrome, classic type, 1 and no experimental evidence demonstrating its impact on protein function have been reported. ClinVar contains an entry for this variant (Variation ID: 566377). Based on the evidence outlined above, the variant was classified as VUS-possibly benign.

Ambry Genetics
Classification: Likely benign for Familial thoracic aortic aneurysm and aortic dissection. Last evaluated: 2024-11-04. Review status: criteria provided, single submitter. Criteria: Ambry Variant Classification Scheme 2023. Collection method: clinical testing. Allele origin: germline.

GeneDx
Classification: Uncertain significance. Last evaluated: 2023-12-20. Review status: criteria provided, single submitter. Criteria: GeneDx Variant Classification Process June 2021. Collection method: clinical testing. Allele origin: germline. Affected: yes.
Comment: Has not been previously published as pathogenic or benign to our knowledge; Not located in the triple helical region, where the majority of pathogenic missense variants occur (PMID: 22696272: HGMD); In silico analysis supports that this missense variant does not alter protein structure/function; This variant is associated with the following publications: (PMID: 22696272)

NM_000093.5(COL5A1):c.692G>A (p.Arg231Gln)

Gene: COL5A1 (collagen type V alpha 1 chain; plus strand). Cytogenetic location: 9q34.3.
Variant type: single nucleotide variant.
Coding change: c.692G>A on transcript NM_000093.5 (MANE Select); coding-DNA position 692, G replaced by A.
Protein change: p.Arg231Gln; replaces arginine 231 with glutamine.
Molecular consequence: missense variant.
Genome position (GRCh38, 1-based): chr9:134,727,303, G>A. VCF-style: chr9-134727303-G-A. GRCh37 (hg19) VCF-style: chr9-137619149-G-A.
Other names: c.692G>A, p.Arg231Gln (NM_001278074.1); c.692G>A (NM_000093.3); short protein forms R231Q.
Identifiers: ClinVar variation 566377 (VCV000566377.14), dbSNP rs373597685, ClinGen allele CA5318497.